The following is an entry in ClinVar:

ClinVar aggregate classification (germline): Uncertain significance (1 of 4 stars; one submission).

Conditions:
Duchenne muscular dystrophy (DMD). Also called: MUSCULAR DYSTROPHY, PSEUDOHYPERTROPHIC PROGRESSIVE, DUCHENNE TYPE; Duchenne Muscular Dystrophy (DMD). Identifiers: Orphanet 98896, MedGen C0013264, MONDO:0010679, OMIM 310200.

gnomAD v4.1: 4 of 1,208,278 alleles (0.00033%); highest among the groups gnomAD compares: East Asian, 0.003%; no homozygotes.

Submission:

Labcorp Genetics (formerly Invitae), Labcorp
Classification: Uncertain significance for Duchenne muscular dystrophy. Last evaluated: 2024-07-16. Review status: criteria provided, single submitter. Criteria: Invitae Variant Classification Sherloc (09022015). Collection method: clinical testing. Allele origin: germline.
Comment: This sequence change replaces asparagine, which is neutral and polar, with serine, which is neutral and polar, at codon 86 of the DMD protein (p.Asn86Ser). This variant is not present in population databases (gnomAD no frequency). This variant has not been reported in the literature in individuals affected with DMD-related conditions. Advanced modeling of protein sequence and biophysical properties (such as structural, functional, and spatial information, amino acid conservation, physicochemical variation, residue mobility, and thermodynamic stability) performed at Invitae indicates that this missense variant is not expected to disrupt DMD protein function with a negative predictive value of 95%. In summary, the available evidence is currently insufficient to determine the role of this variant in disease. Therefore, it has been classified as a Variant of Uncertain Significance.

NM_004006.3(DMD):c.257A>G (p.Asn86Ser)

Gene: DMD (dystrophin; minus strand). Cytogenetic location: Xp21.1.
Variant type: single nucleotide variant.
Coding change: c.257A>G on transcript NM_004006.3 (MANE Select); coding-DNA position 257, A replaced by G.
Protein change: p.Asn86Ser; replaces asparagine 86 with serine.
Molecular consequence: missense variant. On other transcripts: 5 prime UTR variant (1).
Genome position (GRCh38, 1-based): chrX:32,844,790, T>C on the plus strand (A>G on the coding strand, the complement: DMD is on the minus strand). VCF-style: chrX-32844790-T-C. GRCh37 (hg19) VCF-style: chrX-32862907-T-C.
Other names: c.233A>G, p.Asn78Ser (NM_000109.4); c.245A>G, p.Asn82Ser (NM_004009.3); c.-113A>G (NM_004010.3); short protein forms N78S, N82S, N86S.
Identifiers: ClinVar variation 3672007 (VCV003672007.2).